The following is an entry in ClinVar:

NM_020166.5(MCCC1):c.-43_-40del

Genes: MCCC1 (methylcrotonyl-CoA carboxylase subunit 1; minus strand), LOC129938008 (ATAC-STARR-seq lymphoblastoid active region 20884; plus strand). Cytogenetic location: 3q27.1.
Variant type: Deletion.
Coding change: c.-43_-40del on transcript NM_020166.5 (MANE Select); 43 bases upstream of the start codon through 40 bases upstream of the start codon, 4 bases deleted (GCCT; older notation c.-43_-40delGCCT).
Molecular consequence: 5 prime UTR variant. On other transcripts: non-coding transcript variant (1).
Genome position (GRCh38, 1-based): chr3:183,099,480-183,099,483, AGGC deleted on the plus strand (GCCT on the coding strand, the reverse complement: MCCC1 is on the minus strand); deleting any 4 consecutive bases within chr3:183,099,480-183,099,485 gives the same sequence; the c. name uses the placement nearest the transcript's 3' end. VCF-style (leftmost placement, unchanged base first): chr3-183099479-GAGGC-G. GRCh37 (hg19) VCF-style: chr3-182817267-GAGGC-G.
Other names: c.-135_-132del (NM_001293273.2); c.-233_-230del (NM_001363880.1).
Identifiers: ClinVar variation 511491 (VCV000511491.1), dbSNP rs745677822, ClinGen allele CA2719261.

ClinVar aggregate classification (germline): Likely benign (1 of 4 stars; one submission).

Submission:

GeneDx
Classification: Likely benign. Last evaluated: 2017-08-31. Review status: criteria provided, single submitter. Criteria: GeneDx Variant Classification (06012015). Collection method: clinical testing. Allele origin: germline. Affected: yes.
Comment: This variant is considered likely benign or benign based on one or more of the following criteria: it is a conservative change, it occurs at a poorly conserved position in the protein, it is predicted to be benign by multiple in silico algorithms, and/or has population frequency not consistent with disease.